The following is an entry in ClinVar:

NM_001130987.2(DYSF):c.4144C>T (p.Gln1382Ter)

Gene: DYSF (dysferlin; plus strand). Cytogenetic location: 2p13.2.
Variant type: single nucleotide variant.
Coding change: c.4144C>T on transcript NM_001130987.2 (MANE Select); coding-DNA position 4144, C replaced by T.
Protein change: p.Gln1382Ter; replaces glutamine 1382 with a stop codon.
Molecular consequence: nonsense.
Genome position (GRCh38, 1-based): chr2:71,611,549, C>T. VCF-style: chr2-71611549-C-T. GRCh37 (hg19) VCF-style: chr2-71838679-C-T.
Other names: NM_001130987.2(DYSF):c.4144C>T; p.Gln1382Ter; c.4093C>T, p.Gln1365Ter (NM_001130455.2, NM_001130983.2); c.4048C>T, p.Gln1350Ter (NM_001130976.2, NM_001130977.2); c.4090C>T, p.Gln1364Ter (NM_001130978.2, NM_003494.4); c.4183C>T, p.Gln1395Ter (NM_001130979.2); c.4141C>T, p.Gln1381Ter (NM_001130980.2, NM_001130981.2); c.4186C>T, p.Gln1396Ter (NM_001130982.2); and 2 more; short protein forms Q1364*, Q1382*, Q1381*, Q1365*, Q1350*, Q1351*, Q1395*, Q1396*.
Identifiers: ClinVar variation 281072 (VCV000281072.6), dbSNP rs886042095, ClinGen allele CA10603803.

ClinVar aggregate classification (germline): Pathogenic. Review status: reviewed by expert panel (3 of 4 stars). 2 submissions from 2 submitters: Pathogenic (1). 1 of the submissions does not count toward it. Last evaluated 2025-04-21.

Conditions:
Autosomal recessive limb-girdle muscular dystrophy. Identifiers: Orphanet 102015, MedGen C2931907, MONDO:0015152.

Allele frequency attached by ClinVar (database versions not stated): gnomAD exomes below 0.00001.
gnomAD v4.1: 1 of 1,614,162 alleles (0.000062%); highest among the groups gnomAD compares: Non-Finnish European, 0.000085%; no homozygotes.

Submissions (2):

ClinGen Limb Girdle Muscular Dystrophy Variant Curation Expert Panel, ClinGen
Classification: Pathogenic for Autosomal recessive limb-girdle muscular dystrophy. Last evaluated: 2025-04-21. Review status: reviewed by expert panel. Criteria: ClinGen LGMD VCEP ACMG Specifications DYSF V1.0.0. Collection method: curation. Allele origin: germline. Inheritance: Autosomal recessive inheritance.
Comment: The NM_003494.4: c.4090C>T p.(Gln1364Ter) variant in DYSF, which is also known as NM_001130987.2: c.4144C>T (p.Gln1382Ter), is a nonsense variant predicted to cause a premature stop codon in biologically relevant exon 38/55, leading to nonsense mediated decay in a gene in which loss of function is an established disease mechanism (PVS1). This variant has been identified in at least two patients with features of LGMD (PMID: 30564623; 36983702; 24488599; 27602406; LOVD Individual #00219787), including confirmed in trans with a likely pathogenic or pathogenic variant in one patient (NM_003494.4: c.5296G>A p.(Glu1766Lys), 1.0 pt, PMID: 36983702; 24488599; 27602406) (PM3). At least one patient with this variant and a second presumed diagnostic DYSF variant displayed progressive limb girdle muscle weakness and absent or severely reduced dysferlin protein expression, which is highly specific for DYSF-related LGMD (PMID: 36983702; PP4_Strong). The highest population allele frequency for this variant is 0.0000008474 (1/1180034 exome chromosomes) in the European (non-Finnish) population in gnomAD v4.1.0, which is less than the LGMD VCEP threshold (≤0.0001) for PM2_Supporting, meeting this criterion (PM2_Supporting). In summary, this variant meets the criteria to be classified as Pathogenic for autosomal recessive limb girdle muscular dystrophy based on the ACMG/AMP criteria applied, as specified by the ClinGen LGMD VCEP (LGMD VCEP specifications version 1.0.0; 04/21/2025): PVS1, PM3, PP4_Strong, PM2_Supporting.

Eurofins Ntd Llc (ga)
Classification: Pathogenic. Last evaluated: 2016-01-26. Review status: criteria provided, single submitter. Criteria: EGL Classification Definitions 2015. Collection method: clinical testing. Allele origin: germline. Observed: 2 variant alleles, 2 heterozygotes. Not counted in ClinVar's aggregate classification.